The following is an entry in ClinVar:

ClinVar aggregate classification (germline): Uncertain significance. Review status: criteria provided, multiple submitters, no conflicts (2 of 4 stars). 3 submissions from 3 submitters: Uncertain significance (3). Last evaluated 2025-06-06.

Conditions:
Inborn genetic diseases. Identifiers: MedGen C0950123, MeSH D030342.
Hypotonia, infantile, with psychomotor retardation and characteristic facies 2 (IHPRF2). Also called: UNC80 Deficiency. Identifiers: Orphanet 371364, Orphanet 700333, MedGen C4225203, MONDO:0014777, OMIM 616801.

Allele frequency attached by ClinVar (database versions not stated): gnomAD exomes 0.00001 and 0.00003; ExAC 0.00004; gnomAD 0.00005; TOPMed 0.00011; 1000 Genomes Project 30x 0.00016; 1000 Genomes Project 0.00020.
gnomAD v4.1: 14 of 1,551,752 alleles (0.0009%); highest among the groups gnomAD compares: Admixed American, 0.018%; no homozygotes.

Submissions (3):

Ambry Genetics
Classification: Uncertain significance for Inborn genetic diseases. Last evaluated: 2025-06-06. Review status: criteria provided, single submitter. Criteria: Ambry Variant Classification Scheme 2023. Collection method: clinical testing. Allele origin: germline.

Baylor Genetics
Classification: Uncertain significance for Hypotonia, infantile, with psychomotor retardation and characteristic facies 2. Last evaluated: 2023-05-07. Review status: criteria provided, single submitter. Criteria: ACMG Guidelines, 2015. Collection method: clinical testing. Allele origin: unknown.

Labcorp Genetics (formerly Invitae), Labcorp
Classification: Uncertain significance. Last evaluated: 2022-02-08. Review status: criteria provided, single submitter. Criteria: Invitae Variant Classification Sherloc (09022015). Collection method: clinical testing. Allele origin: germline.
Comment: This sequence change replaces glycine, which is neutral and non-polar, with glutamic acid, which is acidic and polar, at codon 2709 of the UNC80 protein (p.Gly2709Glu). This variant is present in population databases (rs543684178, gnomAD 0.01%). This variant has not been reported in the literature in individuals affected with UNC80-related conditions. Algorithms developed to predict the effect of missense changes on protein structure and function are either unavailable or do not agree on the potential impact of this missense change (SIFT: "Not Available"; PolyPhen-2: "Probably Damaging"; Align-GVGD: "Not Available"). In summary, the available evidence is currently insufficient to determine the role of this variant in disease. Therefore, it has been classified as a Variant of Uncertain Significance.

NM_001371986.1(UNC80):c.8324G>A (p.Gly2775Glu)

Gene: UNC80 (unc-80 subunit of NALCN channel complex; plus strand). Cytogenetic location: 2q34.
Variant type: single nucleotide variant.
Coding change: c.8324G>A on transcript NM_001371986.1 (MANE Select); coding-DNA position 8324, G replaced by A.
Protein change: p.Gly2775Glu; replaces glycine 2775 with glutamic acid.
Molecular consequence: missense variant.
Genome position (GRCh38, 1-based): chr2:209,972,268, G>A. VCF-style: chr2-209972268-G-A. GRCh37 (hg19) VCF-style: chr2-210836992-G-A.
Other names: c.8126G>A, p.Gly2709Glu (NM_032504.2); c.8111G>A, p.Gly2704Glu (NM_182587.4); c.8126G>A (NM_032504.1); short protein forms G2775E, G2704E, G2709E.
Identifiers: ClinVar variation 1367852 (VCV001367852.10), dbSNP rs543684178, ClinGen allele CA2083550.